The following is an entry in ClinVar:

ClinVar aggregate classification (germline): Likely benign. Review status: criteria provided, multiple submitters, no conflicts (2 of 4 stars). 2 submissions from 2 submitters: Likely benign (2). Last evaluated 2026-01-17.

Conditions:
Developmental and epileptic encephalopathy, 30 (DEE30). Also called: Epileptic encephalopathy, early infantile, 30. Identifiers: MedGen C4225360, MONDO:0014595, OMIM 616341.

Submissions (2):

Labcorp Genetics (formerly Invitae), Labcorp
Classification: Likely benign for Developmental and epileptic encephalopathy, 30. Last evaluated: 2026-01-17. Review status: criteria provided, single submitter. Criteria: Invitae Variant Classification Sherloc (09022015). Collection method: clinical testing. Allele origin: germline.

Women's Health and Genetics/Laboratory Corporation of America, LabCorp
Classification: Likely benign. Last evaluated: 2024-01-12. Review status: criteria provided, single submitter. Criteria: LabCorp Variant Classification Summary - May 2015. Collection method: clinical testing. Allele origin: germline.
Comment: Variant summary: SNF1LK c.499+10_499+11delinsCC alters nucleotides located at a position not widely known to affect splicing. Consensus agreement among computation tools predict no significant impact on normal splicing. However, these predictions have yet to be confirmed by functional studies. The variant allele was found at a frequency of 1.4e-05 in 279556 control chromosomes (gnomAD). The available data on variant occurrences in the general population are insufficient to allow any conclusion about variant significance. To our knowledge, no occurrence of c.499+10_499+11delinsCC in individuals affected with Developmental And Epileptic Encephalopathy, 30 and no experimental evidence demonstrating its impact on protein function have been reported. ClinVar contains an entry for this variant (Variation ID: 1082570). Based on the evidence outlined above, the variant was classified as likely benign.

NM_173354.5(SIK1):c.499+10_499+11delinsCC

Gene: SIK1 (salt inducible kinase 1; minus strand). Cytogenetic location: 21q22.3.
Variant type: Indel.
Coding change: c.499+10_499+11delinsCC on transcript NM_173354.5 (MANE Select); bases 10 to 11 of the intron after coding-DNA position 499, GT replaced by CC.
Molecular consequence: intron variant.
Genome position (GRCh38, 1-based): chr21:43,421,627-43,421,628, AC replaced by GG on the plus strand (GT replaced by CC on the coding strand, the reverse complement: SIK1 is on the minus strand). VCF-style: chr21-43421627-AC-GG. GRCh37 (hg19) VCF-style: chr21-44841507-AC-GG.
Identifiers: ClinVar variation 1082570 (VCV001082570.10), dbSNP rs2146474030, ClinGen allele CA2499225964.